The following is an entry in ClinVar:

NM_000551.4(VHL):c.340+789del

Genes: VHL (von Hippel-Lindau tumor suppressor; plus strand), LOC107303340 (3p25 von Hippel-Lindau tumor suppressor, E3 ubiquitin protein ligase Alu-mediated recombination region; plus strand). Cytogenetic location: 3p25.3.
Variant type: Deletion.
Coding change: c.340+789del on transcript NM_000551.4 (MANE Select); 789 bases into the intron after coding-DNA position 340, one base deleted (C; older notation c.340+789delC).
Molecular consequence: intron variant. On other transcripts: frameshift variant (1).
Genome position (GRCh38, 1-based): chr3:10,142,976, C deleted; the last of 3 consecutive C bases (chr3:10,142,974-10,142,976); deleting any one gives the same sequence. VCF-style (leftmost placement, unchanged base first): chr3-10142973-TC-T. GRCh37 (hg19) VCF-style: chr3-10184657-TC-T.
Other names: c.554del, p.Pro185fs (NM_001354723.2); c.340+789del (NM_198156.3); short protein forms P185fs.
Identifiers: ClinVar variation 2024371 (VCV002024371.4), dbSNP rs2470160264, ClinGen allele CA2580068448.

ClinVar aggregate classification (germline): Uncertain significance (1 of 4 stars; one submission).

Conditions:
Chuvash polycythemia. Also called: POLYCYTHEMIA, VHL-DEPENDENT. Identifiers: Orphanet 238557, MedGen C1837915, MONDO:0009892, OMIM 263400.
Von Hippel-Lindau syndrome (VHLS). Also called: Von Hippel-Lindau; von Hippel–Lindau syndrome; VHL syndrome. Identifiers: Orphanet 892, MedGen C0019562, MONDO:0008667, OMIM 193300. Disease mechanism: loss of function.

Submission:

Labcorp Genetics (formerly Invitae), Labcorp
Classification: Uncertain significance for Von Hippel-Lindau syndrome; Chuvash polycythemia. Last evaluated: 2022-08-16. Review status: criteria provided, single submitter. Criteria: Invitae Variant Classification Sherloc (09022015). Collection method: clinical testing. Allele origin: germline.
Comment: This variant is not present in population databases (gnomAD no frequency). This sequence change falls in intron 1 of the VHL gene. It is not expected to change the encoded amino acid sequence of the VHL protein. However, this sequence change falls within a cryptic exon in the VHL gene, known as exon E1’, which is naturally expressed at low levels in several human tissues (PMID: 29891534). This variant has not been reported in the literature in individuals affected with VHL-related conditions. Algorithms developed to predict the effect of sequence changes on RNA splicing suggest that this variant is not likely to affect RNA splicing. In summary, the available evidence is currently insufficient to determine the role of this variant in disease. Therefore, it has been classified as a Variant of Uncertain Significance.

Literature cited by the submitters: PubMed 29891534.